The following is an entry in ClinVar:

NM_020988.3(GNAO1):c.303+4G>A

Gene: GNAO1 (G protein subunit alpha o1; plus strand). Cytogenetic location: 16q13.
Variant type: single nucleotide variant.
Coding change: c.303+4G>A on transcript NM_020988.3 (MANE Select); 4 bases into the intron after coding-DNA position 303, G replaced by A.
Molecular consequence: intron variant.
Genome position (GRCh38, 1-based): chr16:56,276,076, G>A. VCF-style: chr16-56276076-G-A. GRCh37 (hg19) VCF-style: chr16-56309988-G-A.
Other names: c.303+4G>A (NM_138736.3).
Identifiers: ClinVar variation 1473230 (VCV001473230.7), dbSNP rs1337378182, ClinGen allele CA622641342.
Genomic context (GRCh38, chr16:56,276,076, plus strand): 5'-GCCATCGTCCGGGCCATGGACACTTTGGGCATCGAATATGGTGATAAGGAGAGAAAGGTA[G>A]GCCCCTGAGCCCATAAGCACAGCAACAAGAGGTTCTGTCTGTGTTACCCCACTGCCTCCT-3'

ClinVar aggregate classification (germline): Uncertain significance (1 of 4 stars; one submission).

Conditions:
Early-infantile DEE. Also called: Ohtahara syndrome; Early infantile epileptic encephalopathy with suppression bursts; Early infantile epileptic encephalopathy. Identifiers: Orphanet 1934, MedGen C0393706, MONDO:0800491.

Allele frequency attached by ClinVar (database versions not stated): gnomAD 0.00001.
gnomAD v4.1: 1 of 1,612,104 alleles (0.000062%); highest among the groups gnomAD compares: African/African-American, 0.0013%; no homozygotes.

Submission:

Labcorp Genetics (formerly Invitae), Labcorp
Classification: Uncertain significance for Early-infantile DEE. Last evaluated: 2024-10-23. Review status: criteria provided, single submitter. Criteria: Invitae Variant Classification Sherloc (09022015). Collection method: clinical testing. Allele origin: germline.
Comment: This sequence change falls in intron 3 of the GNAO1 gene. It does not directly change the encoded amino acid sequence of the GNAO1 protein. It affects a nucleotide within the consensus splice site. This variant is present in population databases (no rsID available, gnomAD 0.01%). This variant has not been reported in the literature in individuals affected with GNAO1-related conditions. ClinVar contains an entry for this variant (Variation ID: 1473230). Variants that disrupt the consensus splice site are a relatively common cause of aberrant splicing (PMID: 17576681, 9536098). Algorithms developed to predict the effect of sequence changes on RNA splicing suggest that this variant is not likely to affect RNA splicing. In summary, the available evidence is currently insufficient to determine the role of this variant in disease. Therefore, it has been classified as a Variant of Uncertain Significance.

Literature cited by the submitters: PubMed 17576681; PubMed 9536098.